The following is an entry in ClinVar:

ClinVar aggregate classification (germline): Uncertain significance (1 of 4 stars; one submission).

Submission:

GeneDx
Classification: Uncertain significance. Last evaluated: 2023-03-15. Review status: criteria provided, single submitter. Criteria: GeneDx Variant Classification Process June 2021. Collection method: clinical testing. Allele origin: germline. Affected: yes.
Comment: Not observed at significant frequency in large population cohorts (gnomAD); In silico analysis supports that this missense variant has a deleterious effect on protein structure/function; Has not been previously published as pathogenic or benign to our knowledge; This variant is associated with the following publications: (PMID: 29423084)

NM_006231.4(POLE):c.1423C>T (p.His475Tyr)

Gene: POLE (DNA polymerase epsilon, catalytic subunit; minus strand). Cytogenetic location: 12q24.33.
Variant type: single nucleotide variant.
Coding change: c.1423C>T on transcript NM_006231.4 (MANE Select); coding-DNA position 1423, C replaced by T.
Protein change: p.His475Tyr; replaces histidine 475 with tyrosine.
Molecular consequence: missense variant.
Genome position (GRCh38, 1-based): chr12:132,673,214, G>A on the plus strand (C>T on the coding strand, the complement: POLE is on the minus strand). VCF-style: chr12-132673214-G-A. GRCh37 (hg19) VCF-style: chr12-133249800-G-A.
Other names: short protein forms H475Y.
Identifiers: ClinVar variation 2580056 (VCV002580056.1), dbSNP rs952195021, ClinGen allele CA387358387.